The following is an entry in ClinVar:

NM_024409.4(NPPC):c.145G>T (p.Gly49Cys)

Gene: NPPC (natriuretic peptide C; minus strand). Cytogenetic location: 2q37.1.
Variant type: single nucleotide variant.
Coding change: c.145G>T on transcript NM_024409.4 (MANE Select); coding-DNA position 145, G replaced by T.
Protein change: p.Gly49Cys; replaces glycine 49 with cysteine.
Molecular consequence: missense variant.
Genome position (GRCh38, 1-based): chr2:231,925,661, C>A on the plus strand (G>T on the coding strand, the complement: NPPC is on the minus strand). VCF-style: chr2-231925661-C-A. GRCh37 (hg19) VCF-style: chr2-232790371-C-A.
Other names: short protein forms G49C.
Identifiers: ClinVar variation 2065063 (VCV002065063.4), dbSNP rs1376044373, ClinGen allele CA351150283.

ClinVar aggregate classification (germline): Uncertain significance (1 of 4 stars; one submission).

Allele frequency attached by ClinVar (database versions not stated): gnomAD exomes below 0.00001; TOPMed 0.00001.
gnomAD v4.1: 4 of 1,601,442 alleles (0.00025%); highest among the groups gnomAD compares: Admixed American, 0.0017%; no homozygotes.

Submission:

Labcorp Genetics (formerly Invitae), Labcorp
Classification: Uncertain significance. Last evaluated: 2021-12-29. Review status: criteria provided, single submitter. Criteria: Invitae Variant Classification Sherloc (09022015). Collection method: clinical testing. Allele origin: germline.
Comment: In summary, the available evidence is currently insufficient to determine the role of this variant in disease. Therefore, it has been classified as a Variant of Uncertain Significance. Algorithms developed to predict the effect of missense changes on protein structure and function output the following: SIFT: "Not Available"; PolyPhen-2: "Probably Damaging"; Align-GVGD: "Not Available". The cysteine amino acid residue is found in multiple mammalian species, which suggests that this missense change does not adversely affect protein function. This variant has not been reported in the literature in individuals affected with NPPC-related conditions. The frequency data for this variant in the population databases is considered unreliable, as metrics indicate poor data quality at this position in the gnomAD database. This sequence change replaces glycine, which is neutral and non-polar, with cysteine, which is neutral and slightly polar, at codon 49 of the NPPC protein (p.Gly49Cys).